The following is an entry in ClinVar:

NM_001377295.2(GNAT2):c.896C>T (p.Ala299Val)

Gene: GNAT2 (G protein subunit alpha transducin 2; minus strand). Cytogenetic location: 1p13.3.
Variant type: single nucleotide variant.
Coding change: c.896C>T on transcript NM_001377295.2 (MANE Select); coding-DNA position 896, C replaced by T.
Protein change: p.Ala299Val; replaces alanine 299 with valine.
Molecular consequence: missense variant.
Genome position (GRCh38, 1-based): chr1:109,603,523, G>A on the plus strand (C>T on the coding strand, the complement: GNAT2 is on the minus strand). VCF-style: chr1-109603523-G-A. GRCh37 (hg19) VCF-style: chr1-110146145-G-A.
Other names: c.896C>T, p.Ala299Val (NM_001379232.1, NM_005272.5); short protein forms A299V.
Identifiers: ClinVar variation 1049934 (VCV001049934.8), dbSNP rs200056419, ClinGen allele CA992273.

ClinVar aggregate classification (germline): Uncertain significance. Review status: criteria provided, multiple submitters, no conflicts (2 of 4 stars). 3 submissions from 3 submitters: Uncertain significance (2). 1 of the submissions does not count toward it. Last evaluated 2024-04-10.

Allele frequency attached by ClinVar (database versions not stated): gnomAD 0.00002 and 0.00003; TOPMed 0.00003; ExAC 0.00004; ESP Exome Variant Server 0.00008.
gnomAD v4.1: 134 of 1,608,886 alleles (0.0083%); highest among the groups gnomAD compares: Non-Finnish European, 0.011%; no homozygotes.

Submissions (3):

Blueprint Genetics
Classification: Uncertain significance. Last evaluated: 2024-04-10. Review status: criteria provided, single submitter. Criteria: ACMG Guidelines, 2015. Collection method: clinical testing. Allele origin: germline.

Labcorp Genetics (formerly Invitae), Labcorp
Classification: Uncertain significance. Last evaluated: 2022-06-23. Review status: criteria provided, single submitter. Criteria: Invitae Variant Classification Sherloc (09022015). Collection method: clinical testing. Allele origin: germline.
Comment: In summary, the available evidence is currently insufficient to determine the role of this variant in disease. Therefore, it has been classified as a Variant of Uncertain Significance. Advanced modeling of protein sequence and biophysical properties (such as structural, functional, and spatial information, amino acid conservation, physicochemical variation, residue mobility, and thermodynamic stability) performed at Invitae indicates that this missense variant is expected to disrupt GNAT2 protein function. ClinVar contains an entry for this variant (Variation ID: 1049934). This variant has not been reported in the literature in individuals affected with GNAT2-related conditions. This variant is present in population databases (rs200056419, gnomAD 0.007%). This sequence change replaces alanine, which is neutral and non-polar, with valine, which is neutral and non-polar, at codon 299 of the GNAT2 protein (p.Ala299Val).

Department of Pathology and Laboratory Medicine, Sinai Health System
Classification: Uncertain significance. Review status: no assertion criteria provided. Collection method: clinical testing. Allele origin: unknown. Affected: yes. Study: The Canadian Open Genetics Repository (COGR). Not counted in ClinVar's aggregate classification.
Comment: The GNAT2 p.Ala299Val variant was not identified in the literature nor was it identified in ClinVar or LOVD 3.0. The variant was identified in dbSNP (ID: rs200056419) and in control databases in 12 of 251244 chromosomes at a frequency of 0.00004776 (Genome Aggregation Database March 6, 2019, v2.1.1). The variant was observed in the following populations: European (non-Finnish) in 9 of 113598 chromosomes (freq: 0.000079), Latino in 2 of 34588 chromosomes (freq: 0.000058) and East Asian in 1 of 18394 chromosomes (freq: 0.000054), but was not observed in the African, Ashkenazi Jewish, European (Finnish), Other, or South Asian populations. The p.Ala299 residue is conserved in mammals and computational analyses (PolyPhen-2, SIFT, AlignGVGD, BLOSUM, MutationTaster) provide inconsistent predictions regarding the impact to the protein; this information is not very predictive of pathogenicity. The variant occurs outside of the splicing consensus sequence and in silico or computational prediction software programs (SpliceSiteFinder, MaxEntScan, NNSPLICE, GeneSplicer) do not predict a difference in splicing. In summary, based on the above information the clinical significance of this variant cannot be determined with certainty at this time. This variant is classified as a variant of uncertain significance.